The following is an entry in ClinVar:

ClinVar aggregate classification (germline): Uncertain significance (1 of 4 stars; one submission).

Conditions:
Hereditary spastic paraplegia 4. Also called: Familial spastic paraplegia autosomal dominant 2; Spastic paraplegia 4, autosomal dominant; Spastic Paraplegia 4. Identifiers: Orphanet 100985, MedGen C1866855, MONDO:0008438, OMIM 182601.

gnomAD v4.1: 3 of 1,606,978 alleles (0.00019%); highest among the groups gnomAD compares: Admixed American, 0.0033%; no homozygotes.

Submission:

Labcorp Genetics (formerly Invitae), Labcorp
Classification: Uncertain significance for Hereditary spastic paraplegia 4. Last evaluated: 2024-10-28. Review status: criteria provided, single submitter. Criteria: Invitae Variant Classification Sherloc (09022015). Collection method: clinical testing. Allele origin: germline.
Comment: This sequence change replaces asparagine, which is neutral and polar, with histidine, which is basic and polar, at codon 335 of the SPAST protein (p.Asn335His). This variant is not present in population databases (gnomAD no frequency). This variant has not been reported in the literature in individuals affected with SPAST-related conditions. ClinVar contains an entry for this variant (Variation ID: 2173954). An algorithm developed to predict the effect of missense changes on protein structure and function (PolyPhen-2) suggests that this variant is likely to be disruptive. In summary, the available evidence is currently insufficient to determine the role of this variant in disease. Therefore, it has been classified as a Variant of Uncertain Significance.

NM_014946.4(SPAST):c.1003A>C (p.Asn335His)

Gene: SPAST (spastin; plus strand). Cytogenetic location: 2p22.3.
Variant type: single nucleotide variant.
Coding change: c.1003A>C on transcript NM_014946.4 (MANE Select); coding-DNA position 1003, A replaced by C.
Protein change: p.Asn335His; replaces asparagine 335 with histidine.
Molecular consequence: missense variant.
Genome position (GRCh38, 1-based): chr2:32,115,834, A>C. VCF-style: chr2-32115834-A-C. GRCh37 (hg19) VCF-style: chr2-32340903-A-C.
Other names: c.1000A>C, p.Asn334His (NM_001363823.2); c.904A>C, p.Asn302His (NM_001363875.2); c.907A>C, p.Asn303His (NM_001377959.1, NM_199436.2); short protein forms N334H, N335H, N302H, N303H.
Identifiers: ClinVar variation 2173954 (VCV002173954.4), dbSNP rs1255537108, ClinGen allele CA346499373.